The following is an entry in ClinVar:

NM_007186.6(CEP250):c.948+6T>G

Gene: CEP250 (centrosomal protein 250; plus strand). Cytogenetic location: 20q11.22.
Variant type: single nucleotide variant.
Coding change: c.948+6T>G on transcript NM_007186.6 (MANE Select); 6 bases into the intron after coding-DNA position 948, T replaced by G.
Molecular consequence: intron variant.
Genome position (GRCh38, 1-based): chr20:35,469,992, T>G. VCF-style: chr20-35469992-T-G. GRCh37 (hg19) VCF-style: chr20-34057817-T-G.
Other names: c.-952+6T>G (NM_001318219.1).
Identifiers: ClinVar variation 1445474 (VCV001445474.6), dbSNP rs2062984834, ClinGen allele CA408758383.

ClinVar aggregate classification (germline): Uncertain significance (1 of 4 stars; one submission).

Allele frequency attached by ClinVar (database versions not stated): gnomAD exomes below 0.00001.
gnomAD v4.1: 2 of 1,598,704 alleles (0.00013%); highest among the groups gnomAD compares: Admixed American, 0.0033%; no homozygotes.

Submission:

Labcorp Genetics (formerly Invitae), Labcorp
Classification: Uncertain significance. Last evaluated: 2024-02-24. Review status: criteria provided, single submitter. Criteria: Invitae Variant Classification Sherloc (09022015). Collection method: clinical testing. Allele origin: germline.
Comment: This sequence change falls in intron 10 of the CEP250 gene. It does not directly change the encoded amino acid sequence of the CEP250 protein. It affects a nucleotide within the consensus splice site. This variant is not present in population databases (gnomAD no frequency). This variant has not been reported in the literature in individuals affected with CEP250-related conditions. ClinVar contains an entry for this variant (Variation ID: 1445474). Variants that disrupt the consensus splice site are a relatively common cause of aberrant splicing (PMID: 17576681, 9536098). Algorithms developed to predict the effect of sequence changes on RNA splicing suggest that this variant is not likely to affect RNA splicing. In summary, the available evidence is currently insufficient to determine the role of this variant in disease. Therefore, it has been classified as a Variant of Uncertain Significance.

Literature cited by the submitters: PubMed 17576681; PubMed 9536098.